The following is an entry in ClinVar:

ClinVar aggregate classification (germline): Conflicting classifications of pathogenicity. Review status: criteria provided, conflicting classifications (1 of 4 stars). 2 submissions from 1 submitter: Uncertain significance (1); Likely benign (1). Last evaluated 2018-01-12.

Conditions:
Neuronopathy, distal hereditary motor, type 5A (HMND5). Also called: Distal Spinal Muscular Atrophy V; DHMN VA; Distal Spinal Muscular Atrophy V (dSMA-V); NEURONOPATHY, DISTAL HEREDITARY MOTOR, AUTOSOMAL DOMINANT 5. Identifiers: Orphanet 139536, MedGen CN031873, MONDO:0015353, OMIM 600794.
Congenital generalized lipodystrophy type 2 (CGL2). Also called: BERARDINELLI SYNDROME; BRUNZELL SYNDROME, BSCL2-RELATED; SEIP SYNDROME; Berardinelli-Seip Congenital Lipodystrophy Type 2. Identifiers: Orphanet 528, Orphanet 696289, MedGen C1720863, MONDO:0010020, OMIM 269700.

Allele frequency attached by ClinVar (database versions not stated): 1000 Genomes Project 30x 0.00078; gnomAD 0.00088 and 0.00092; TOPMed 0.00089; 1000 Genomes Project 0.00100.
gnomAD v4.1: 813 of 1,113,874 alleles (0.073%); highest among the groups gnomAD compares: Middle Eastern, 1%; 5 homozygotes.

Submissions (2):

Illumina Laboratory Services, Illumina
Classification: Likely benign for Neuronopathy, distal hereditary motor, type 5A. Last evaluated: 2018-01-12. Review status: criteria provided, single submitter. Criteria: ICSL Variant Classification Criteria 13 December 2019. Collection method: clinical testing. Allele origin: germline.
Comment: This variant was observed in the ICSL laboratory as part of a predisposition screen in an ostensibly healthy population. It had not been previously curated by ICSL or reported in the Human Gene Mutation Database (HGMD: prior to June 1st, 2018), and was therefore a candidate for classification through an automated scoring system. Utilizing variant allele frequency, disease prevalence and penetrance estimates, and inheritance mode, an automated score was calculated to assess if this variant is too frequent to cause the disease. Based on the score and internal cut-off values, a variant classified as likely benign is not then subjected to further curation. The score for this variant resulted in a classification of likely benign for this disease.

Illumina Laboratory Services, Illumina
Classification: Uncertain significance for Congenital generalized lipodystrophy type 2. Last evaluated: 2018-01-12. Review status: criteria provided, single submitter. Criteria: ICSL Variant Classification Criteria 13 December 2019. Collection method: clinical testing. Allele origin: germline.

NM_001122955.4(BSCL2):c.88-674G>T

Genes: BSCL2 (BSCL2 lipid droplet biogenesis associated, seipin; minus strand), HNRNPUL2-BSCL2 (HNRNPUL2-BSCL2 readthrough (NMD candidate); minus strand). Cytogenetic location: 11q12.3.
Variant type: single nucleotide variant.
Coding change: c.88-674G>T on transcript NM_001122955.4 (MANE Select); 674 bases into the intron before coding-DNA position 88, G replaced by T.
Molecular consequence: intron variant. On other transcripts: 5 prime UTR variant (2).
Genome position (GRCh38, 1-based): chr11:62,706,291, C>A on the plus strand (G>T on the coding strand, the complement: BSCL2 is on the minus strand). VCF-style: chr11-62706291-C-A. GRCh37 (hg19) VCF-style: chr11-62473763-C-A.
Other names: c.-194G>T (NM_001130702.2, NM_032667.6); c.88-674G>T (NM_001386028.1, NM_001386027.1).
Identifiers: ClinVar variation 305191 (VCV000305191.6), dbSNP rs549450153, ClinGen allele CA10635199.